The following is an entry in ClinVar:

NM_001354604.2(MITF):c.1433G>C (p.Gly478Ala)

Gene: MITF (melanocyte inducing transcription factor; plus strand). Cytogenetic location: 3p13.
Variant type: single nucleotide variant.
Coding change: c.1433G>C on transcript NM_001354604.2 (MANE Select); coding-DNA position 1433, G replaced by C.
Protein change: p.Gly478Ala; replaces glycine 478 with alanine.
Molecular consequence: missense variant.
Genome position (GRCh38, 1-based): chr3:69,965,100, G>C. VCF-style: chr3-69965100-G-C. GRCh37 (hg19) VCF-style: chr3-70014251-G-C.
Other names: c.1112G>C, p.Gly371Ala (NM_000248.4); c.1259G>C, p.Gly420Ala (NM_001184967.2, NM_001354608.2); c.1430G>C, p.Gly477Ala (NM_001354605.2); c.1412G>C, p.Gly471Ala (NM_001354606.2, NM_006722.3); c.1364G>C, p.Gly455Ala (NM_001354607.2); c.1094G>C, p.Gly365Ala (NM_198158.3); c.1415G>C, p.Gly472Ala (NM_198159.3); c.1367G>C, p.Gly456Ala (NM_198177.3); and 1 more; short protein forms G309A, G365A, G371A, G420A, G455A, G456A, G471A, G472A.
Identifiers: ClinVar variation 1314878 (VCV001314878.6), dbSNP rs200766286, ClinGen allele CA2490668.

ClinVar aggregate classification (germline): Uncertain significance. Review status: criteria provided, multiple submitters, no conflicts (2 of 4 stars). 3 submissions from 3 submitters: Uncertain significance (3). Last evaluated 2025-06-15.

Conditions:
Waardenburg syndrome type 2A (WS2A). Also called: WAARDENBURG SYNDROME WITHOUT DYSTOPIA CANTHORUM. Identifiers: Orphanet 3440, MedGen C1860339, MONDO:0008671, OMIM 193510.
Melanoma, cutaneous malignant, susceptibility to, 8. Also called: MELANOMA AND RENAL CELL CARCINOMA, SUSCEPTIBILITY TO; Cutaneous malignant melanoma 8. Identifiers: Orphanet 293822, MedGen C3152204, MONDO:0013759, OMIM 614456.
Tietz syndrome (TADS). Also called: ALBINISM-DEAFNESS OF TIETZ; TIETZ ALBINISM-DEAFNESS SYNDROME; HYPOPIGMENTATION/DEAFNESS OF TIETZ. Identifiers: Orphanet 42665, MedGen C0391816, MONDO:0007077, OMIM 103500.
Coloboma, osteopetrosis, microphthalmia, macrocephaly, albinism, and deafness (COMMAD). Also called: COMMAD syndrome. Identifiers: Orphanet 603494, MedGen C4310625, MONDO:0015014, OMIM 617306.

Allele frequency attached by ClinVar (database versions not stated): 1000 Genomes Project 30x 0.00016; 1000 Genomes Project 0.00020.
gnomAD v4.1: 2 of 1,614,068 alleles (0.00012%); highest among the groups gnomAD compares: African/African-American, 0.0027%; no homozygotes.

Submissions (3):

Labcorp Genetics (formerly Invitae), Labcorp
Classification: Uncertain significance for Melanoma, cutaneous malignant, susceptibility to, 8; Waardenburg syndrome type 2A; Tietz syndrome. Last evaluated: 2025-06-15. Review status: criteria provided, single submitter. Criteria: Invitae Variant Classification Sherloc (09022015). Collection method: clinical testing. Allele origin: germline.
Comment: This sequence change replaces glycine, which is neutral and non-polar, with alanine, which is neutral and non-polar, at codon 371 of the MITF protein (p.Gly371Ala). This variant is present in population databases (rs200766286, gnomAD 0.007%). This variant has not been reported in the literature in individuals affected with MITF-related conditions. ClinVar contains an entry for this variant (Variation ID: 1314878). Invitae Evidence Modeling of protein sequence and biophysical properties (such as structural, functional, and spatial information, amino acid conservation, physicochemical variation, residue mobility, and thermodynamic stability) indicates that this missense variant is not expected to disrupt MITF protein function with a negative predictive value of 80%. In summary, the available evidence is currently insufficient to determine the role of this variant in disease. Therefore, it has been classified as a Variant of Uncertain Significance.

Fulgent Genetics
Classification: Uncertain significance for Tietz syndrome; Waardenburg syndrome type 2A; Melanoma, cutaneous malignant, susceptibility to, 8; Coloboma, osteopetrosis, microphthalmia, macrocephaly, albinism, and deafness. Last evaluated: 2024-04-16. Review status: criteria provided, single submitter. Criteria: ACMG Guidelines, 2015. Collection method: clinical testing. Allele origin: germline.

GeneDx
Classification: Uncertain significance. Last evaluated: 2021-04-19. Review status: criteria provided, single submitter. Criteria: GeneDx Variant Classification Process June 2021. Collection method: clinical testing. Allele origin: germline. Affected: yes.
Comment: Not observed in large population cohorts (Lek 2016); In silico analysis supports that this missense variant does not alter protein structure/function; Has not been previously published as pathogenic or benign to our knowledge